The following is an entry in ClinVar:

ClinVar aggregate classification (germline): Conflicting classifications of pathogenicity. Review status: criteria provided, conflicting classifications (1 of 4 stars). 6 submissions from 6 submitters: Uncertain significance (1); Benign (1); Likely benign (3). 1 of the submissions does not count toward it. Last evaluated 2026-01-28.

Conditions:
BAP1-related disorder. Also called: BAP1-related condition.
Hereditary cancer-predisposing syndrome. Also called: Neoplastic Syndromes, Hereditary; Tumor predisposition; Hereditary Cancer Syndrome; Hereditary neoplastic syndrome. Identifiers: Orphanet 140162, MedGen C0027672, MeSH D009386, MONDO:0015356.
BAP1-related tumor predisposition syndrome (TPDS1). Also called: BAP1 tumor predisposition syndrome; COMMON Syndrome; TUMOR PREDISPOSITION SYNDROME 1; Tumor susceptibility linked to germline BAP1 mutations. Identifiers: Orphanet 289539, MedGen C3280492, MONDO:0013692, OMIM 614327.

Allele frequency attached by ClinVar (database versions not stated): gnomAD exomes below 0.00001 and 0.00001; ExAC 0.00002; gnomAD 0.00002 and 0.00003; TOPMed 0.00002.
gnomAD v4.1: 8 of 1,599,628 alleles (0.0005%); highest among the groups gnomAD compares: African/African-American, 0.0013%; no homozygotes.

Submissions (6):

Labcorp Genetics (formerly Invitae), Labcorp
Classification: Likely benign for BAP1-related tumor predisposition syndrome. Last evaluated: 2026-01-28. Review status: criteria provided, single submitter. Criteria: Invitae Variant Classification Sherloc (09022015). Collection method: clinical testing. Allele origin: germline.

Myriad Genetics, Inc.
Classification: Benign for BAP1-related tumor predisposition syndrome. Last evaluated: 2024-07-18. Review status: criteria provided, single submitter. Criteria: Myriad Autosomal Dominant, Autosomal Recessive and X-Linked Classification Criteria (2023). Collection method: clinical testing. Allele origin: unknown.
Comment: This variant is considered benign. This variant is a silent/synonymous amino acid change and it is not expected to impact splicing.

Illumina Laboratory Services, Illumina
Classification: Uncertain significance for BAP1-related tumor predisposition syndrome. Last evaluated: 2018-01-12. Review status: criteria provided, single submitter. Criteria: ICSL Variant Classification Criteria 13 December 2019. Collection method: clinical testing. Allele origin: germline.

Color Diagnostics, LLC DBA Color Health
Classification: Likely benign for Hereditary cancer-predisposing syndrome. Last evaluated: 2016-12-22. Review status: criteria provided, single submitter. Criteria: ACMG Guidelines, 2015. Collection method: clinical testing. Allele origin: germline.

Ambry Genetics
Classification: Likely benign for Hereditary cancer-predisposing syndrome. Last evaluated: 2015-07-17. Review status: criteria provided, single submitter. Criteria: Ambry Variant Classification Scheme 2023. Collection method: clinical testing. Allele origin: germline.

PreventionGenetics, part of Exact Sciences
Classification: Likely benign for BAP1-related condition. Last evaluated: 2024-05-31. Review status: no assertion criteria provided. Collection method: clinical testing. Allele origin: germline. Not counted in ClinVar's aggregate classification.
Comment: This variant is classified as likely benign based on ACMG/AMP sequence variant interpretation guidelines (Richards et al. 2015 PMID: 25741868, with internal and published modifications).

NM_004656.4(BAP1):c.2175G>A (p.Lys725=)

Gene: BAP1 (BRCA1 associated deubiquitinase 1; minus strand). Cytogenetic location: 3p21.1.
Variant type: single nucleotide variant.
Coding change: c.2175G>A on transcript NM_004656.4 (MANE Select); coding-DNA position 2175, G replaced by A.
Protein change: p.Lys725=; no amino-acid change (lysine 725 retained).
Molecular consequence: synonymous variant.
Genome position (GRCh38, 1-based): chr3:52,402,303, C>T on the plus strand (G>A on the coding strand, the complement: BAP1 is on the minus strand). VCF-style: chr3-52402303-C-T. GRCh37 (hg19) VCF-style: chr3-52436319-C-T.
Other names: c.2175G>A (LRG_529t1).
Identifiers: ClinVar variation 472693 (VCV000472693.23), dbSNP rs760537008, ClinGen allele CA2436580.